The following is an entry in ClinVar:

ClinVar aggregate classification (germline): Conflicting classifications of pathogenicity. Review status: criteria provided, conflicting classifications (1 of 4 stars). 3 submissions from 3 submitters: Uncertain significance (1); Likely benign (2). Last evaluated 2025-07-30.

Conditions:
Landau-Kleffner syndrome (FESD). Also called: EPILEPSY, FOCAL, WITH SPEECH DISORDER AND WITH OR WITHOUT MENTAL RETARDATION; APHASIA, ACQUIRED, WITH EPILEPSY. Identifiers: Orphanet 1945, Orphanet 725, Orphanet 98818, MedGen C0282512, MONDO:0009509, OMIM 245570.
Inborn genetic diseases. Identifiers: MedGen C0950123, MeSH D030342.

Allele frequency attached by ClinVar (database versions not stated): TOPMed 0.00005; gnomAD 0.00002.
gnomAD v4.1: 12 of 1,610,404 alleles (0.00075%); highest among the groups gnomAD compares: African/African-American, 0.0093%; no homozygotes.

Submissions (3):

Labcorp Genetics (formerly Invitae), Labcorp
Classification: Likely benign for Landau-Kleffner syndrome. Last evaluated: 2025-07-30. Review status: criteria provided, single submitter. Criteria: Invitae Variant Classification Sherloc (09022015). Collection method: clinical testing. Allele origin: germline.

New York Genome Center
Classification: Uncertain significance for Landau-Kleffner syndrome. Last evaluated: 2022-01-28. Review status: criteria provided, single submitter. Criteria: NYGC Assertion Criteria 2020. Collection method: clinical testing. Allele origin: inherited. Observed: 1 heterozygote. Study: CSER-NYCKidSeq.
Comment: The c.91C>T (p.Pro31Ser) variant identified in the GRIN2A gene substitutes a moderately conserved Proline for Serine at amino acid 31/1465 (coding exon 2/13). This variant is found with low frequency in gnomAD (1 heterozygote, 0 homozygotes; allele frequency: 3.19e-5) suggesting it is not a common benign variant in the populations represented in this database. In silico algorithms predict this variant to be Neutral (Provean; score: -1.63) and Tolerated (SIFT; score: 0.173) to the function of the canonical transcript. This variant is absent from ClinVar and to our current knowledge has not been reported in affected individualsin the literature, however a different missense variant at the same amino acid (c.91C>A, p.Pro31Thr) has been reported in an individual with epilepsy (PMID:23933819). The p.Pro31 residue is at the N-terminus of GRIN2A, and is N-terminal to all mapped domains (UniProkKB; Q12879). Given the lack of compelling evidence for its pathogenicity, the c.91C>T (p.Pro31Ser) variant identified in the GRIN2A gene is reported here as a Variant of Uncertain Significance.

Ambry Genetics
Classification: Likely benign for Inborn genetic diseases. Last evaluated: 2021-10-08. Review status: criteria provided, single submitter. Criteria: Ambry Variant Classification Scheme 2023. Collection method: clinical testing. Allele origin: germline.

NM_001134407.3(GRIN2A):c.91C>T (p.Pro31Ser)

Gene: GRIN2A (glutamate ionotropic receptor NMDA type subunit 2A; minus strand). Cytogenetic location: 16p13.2.
Variant type: single nucleotide variant.
Coding change: c.91C>T on transcript NM_001134407.3 (MANE Select); coding-DNA position 91, C replaced by T.
Protein change: p.Pro31Ser; replaces proline 31 with serine.
Molecular consequence: missense variant.
Genome position (GRCh38, 1-based): chr16:10,180,321, G>A on the plus strand (C>T on the coding strand, the complement: GRIN2A is on the minus strand). VCF-style: chr16-10180321-G-A. GRCh37 (hg19) VCF-style: chr16-10274178-G-A.
Other names: c.91C>T, p.Pro31Ser (NM_000833.5, NM_001134408.2); short protein forms P31S.
Identifiers: ClinVar variation 983352 (VCV000983352.9), dbSNP rs199942034, ClinGen allele CA277615946.